The following is an entry in ClinVar:

ClinVar aggregate classification (germline): Uncertain significance (1 of 4 stars; one submission).

gnomAD v4.1: 2 of 1,614,090 alleles (0.00012%); no homozygotes.

Submission:

Ambry Genetics
Classification: Uncertain significance. Last evaluated: 2024-04-05. Review status: criteria provided, single submitter. Criteria: Ambry Variant Classification Scheme 2023. Collection method: clinical testing. Allele origin: germline.
Comment: The p.H1060D variant (also known as c.3178C>G), located in coding exon 18 of the PALLD gene, results from a C to G substitution at nucleotide position 3178. The histidine at codon 1060 is replaced by aspartic acid, an amino acid with similar properties. This amino acid position is conserved. In addition, this alteration is predicted to be deleterious by in silico analysis. Based on the available evidence, the clinical significance of this variant remains unclear.

NM_001166108.2(PALLD):c.3229C>G (p.His1077Asp)

Genes: CBR4 (carbonyl reductase 4; minus strand), PALLD (palladin, cytoskeletal associated protein; plus strand). Cytogenetic location: 4q32.3.
Variant type: single nucleotide variant.
Coding change: c.3229C>G on transcript NM_001166108.2 (MANE Select); coding-DNA position 3229, C replaced by G.
Protein change: p.His1077Asp; replaces histidine 1077 with aspartic acid.
Molecular consequence: missense variant.
Genome position (GRCh38, 1-based): chr4:168,924,949, C>G. VCF-style: chr4-168924949-C-G. GRCh37 (hg19) VCF-style: chr4-169846100-C-G.
Other names: c.2032C>G, p.His678Asp (NM_001166109.2); c.1717C>G, p.His573Asp (NM_001166110.2); c.1057C>G, p.His353Asp (NM_001367567.1, NM_001367569.1); c.1108C>G, p.His370Asp (NM_001367568.1, NM_001367570.1); c.3178C>G, p.His1060Asp (NM_016081.4); short protein forms H1060D, H1077D, H573D, H370D, H353D, H678D.
Identifiers: ClinVar variation 3304055 (VCV003304055.1).
Genomic context (GRCh38, chr4:168,924,949, plus strand): 5'-GTCCAAAGCCACTTTTAAAAAATTTAGAACCCTAATGACTTTATCCTTTTCTCCAGCATG[C>G]ACCAGGACAACCACGGCTACATCTGCCTGCTCATTCAGGGAGCCACAAAAGAAGATGCTG-3'
Protein context (NP_001159580.1, residues 1067-1087): LTHSTDRVSM[His1077Asp]QDNHGYICLL